The following is an entry in ClinVar:

NM_002693.3(POLG):c.1712+6C>T

Gene: POLG (DNA polymerase gamma, catalytic subunit; minus strand). Cytogenetic location: 15q26.1.
Variant type: single nucleotide variant.
Coding change: c.1712+6C>T on transcript NM_002693.3 (MANE Select); 6 bases into the intron after coding-DNA position 1712, C replaced by T.
Molecular consequence: intron variant.
Genome position (GRCh38, 1-based): chr15:89,326,606, G>A on the plus strand (C>T on the coding strand, the complement: POLG is on the minus strand). VCF-style: chr15-89326606-G-A. GRCh37 (hg19) VCF-style: chr15-89869837-G-A.
Other names: c.1712+6C>T (NM_001126131.2).
Identifiers: ClinVar variation 2806426 (VCV002806426.3), dbSNP rs2509252710, ClinGen allele CA2630253245.

ClinVar aggregate classification (germline): Uncertain significance (1 of 4 stars; one submission).

Conditions:
Progressive sclerosing poliodystrophy (MTDPS4A). Also called: ALPERS PROGRESSIVE INFANTILE POLIODYSTROPHY; NEURONAL DEGENERATION OF CHILDHOOD WITH LIVER DISEASE, PROGRESSIVE; Alpers Syndrome; ALPERS DIFFUSE DEGENERATION OF CEREBRAL GRAY MATTER WITH HEPATIC CIRRHOSIS; Alpers-Huttenlocher Syndrome; Mitochondrial DNA Depletion Syndrome 4A. Identifiers: Orphanet 726, MedGen C0205710, MONDO:0008758, OMIM 203700.

Allele frequency attached by ClinVar (database versions not stated): gnomAD exomes below 0.00001.
gnomAD v4.1: 3 of 1,613,246 alleles (0.00019%); highest among the groups gnomAD compares: Non-Finnish European, 0.00025%; no homozygotes.

Submission:

Labcorp Genetics (formerly Invitae), Labcorp
Classification: Uncertain significance for Progressive sclerosing poliodystrophy. Last evaluated: 2023-01-10. Review status: criteria provided, single submitter. Criteria: Invitae Variant Classification Sherloc (09022015). Collection method: clinical testing. Allele origin: germline.
Comment: In summary, the available evidence is currently insufficient to determine the role of this variant in disease. Therefore, it has been classified as a Variant of Uncertain Significance. Variants that disrupt the consensus splice site are a relatively common cause of aberrant splicing (PMID: 17576681, 9536098). Algorithms developed to predict the effect of sequence changes on RNA splicing suggest that this variant is not likely to affect RNA splicing. This variant has not been reported in the literature in individuals affected with POLG-related conditions. This variant is not present in population databases (gnomAD no frequency). This sequence change falls in intron 9 of the POLG gene. It does not directly change the encoded amino acid sequence of the POLG protein. It affects a nucleotide within the consensus splice site.

Literature cited by the submitters: PubMed 17576681; PubMed 9536098.